The following is an entry in ClinVar:

ClinVar aggregate classification (germline): Uncertain significance (1 of 4 stars; one submission).

Submission:

GeneDx
Classification: Uncertain significance. Last evaluated: 2023-12-13. Review status: criteria provided, single submitter. Criteria: GeneDx Variant Classification Process June 2021. Collection method: clinical testing. Allele origin: germline. Affected: yes.
Comment: Not observed at significant frequency in large population cohorts (gnomAD); In silico analysis supports that this missense variant has a deleterious effect on protein structure/function; Has not been previously published as pathogenic or benign to our knowledge; This variant is associated with the following publications: (PMID: 22982744)

NM_001365902.3(NFIX):c.407T>G (p.Leu136Trp)

Gene: NFIX (nuclear factor I X; plus strand). Cytogenetic location: 19p13.13.
Variant type: single nucleotide variant.
Coding change: c.407T>G on transcript NM_001365902.3 (MANE Select); coding-DNA position 407, T replaced by G.
Protein change: p.Leu136Trp; replaces leucine 136 with tryptophan.
Molecular consequence: missense variant.
Genome position (GRCh38, 1-based): chr19:13,025,400, T>G. VCF-style: chr19-13025400-T-G. GRCh37 (hg19) VCF-style: chr19-13136214-T-G.
Other names: c.431T>G, p.Leu144Trp (NM_001271043.2); c.383T>G, p.Leu128Trp (NM_001271044.3, NM_001378404.1); c.407T>G, p.Leu136Trp (NM_001365982.2, NM_002501.4); c.266T>G, p.Leu89Trp (NM_001365983.2); c.404T>G, p.Leu135Trp (NM_001365984.2, NM_001365985.2); c.455T>G, p.Leu152Trp (NM_001378405.1); short protein forms L128W, L135W, L136W, L144W, L152W, L89W.
Identifiers: ClinVar variation 3365628 (VCV003365628.1).